The following is an entry in ClinVar:

NM_025132.4(WDR19):c.2629A>C (p.Ile877Leu)

Gene: WDR19 (WD repeat domain 19; plus strand). Cytogenetic location: 4p14.
Variant type: single nucleotide variant.
Coding change: c.2629A>C on transcript NM_025132.4 (MANE Select); coding-DNA position 2629, A replaced by C.
Protein change: p.Ile877Leu; replaces isoleucine 877 with leucine.
Molecular consequence: missense variant.
Genome position (GRCh38, 1-based): chr4:39,244,536, A>C. VCF-style: chr4-39244536-A-C. GRCh37 (hg19) VCF-style: chr4-39246156-A-C.
Other names: c.2149A>C, p.Ile717Leu (NM_001317924.2); short protein forms I717L, I877L.
Identifiers: ClinVar variation 1386700 (VCV001386700.8), dbSNP rs2109406828, ClinGen allele CA356638704.
Genomic context (GRCh38, chr4:39,244,536, plus strand): 5'-TCAGAAGCGGCCCAACTGTATGAAAAAGGTCTCTACTACGATAAAGCAGCATCTGTTTAC[A>C]TCCGCTCTAAGAATTGGTAAGAGCTGCCTGCGGTTTGTTTCTGAACAGGATTGGAAATGA-3'
Protein context (NP_079408.3, residues 867-887): LYYDKAASVY[Ile877Leu]RSKNWAKVGD

ClinVar aggregate classification (germline): Uncertain significance (1 of 4 stars; one submission).

Conditions:
Asphyxiating thoracic dystrophy 5 (SRTD5). Also called: SHORT-RIB THORACIC DYSPLASIA 5 WITHOUT POLYDACTYLY; SHORT-RIB THORACIC DYSPLASIA 5 WITH OR WITHOUT POLYDACTYLY. Identifiers: Orphanet 474, MedGen C3280598, MONDO:0013717, OMIM 614376.
Senior-Loken syndrome 8 (SLSN8). Identifiers: Orphanet 3156, MedGen C4225376, MONDO:0014579, OMIM 616307.

Allele frequency attached by ClinVar (database versions not stated): gnomAD exomes 0.00001.
gnomAD v4.1: 8 of 1,614,042 alleles (0.0005%); highest among the groups gnomAD compares: Non-Finnish European, 0.00068%; no homozygotes.

Submission:

Labcorp Genetics (formerly Invitae), Labcorp
Classification: Uncertain significance for Senior-Loken syndrome 8; Asphyxiating thoracic dystrophy 5. Last evaluated: 2022-01-06. Review status: criteria provided, single submitter. Criteria: Invitae Variant Classification Sherloc (09022015). Collection method: clinical testing. Allele origin: germline.
Comment: Algorithms developed to predict the effect of missense changes on protein structure and function are either unavailable or do not agree on the potential impact of this missense change (SIFT: "Tolerated"; PolyPhen-2: "Possibly Damaging"; Align-GVGD: "Class C0"). In summary, the available evidence is currently insufficient to determine the role of this variant in disease. Therefore, it has been classified as a Variant of Uncertain Significance. This variant has not been reported in the literature in individuals affected with WDR19-related conditions. This variant is not present in population databases (gnomAD no frequency). This sequence change replaces isoleucine, which is neutral and non-polar, with leucine, which is neutral and non-polar, at codon 877 of the WDR19 protein (p.Ile877Leu).